The following is an entry in ClinVar:

ClinVar aggregate classification (germline): Uncertain significance (1 of 4 stars; one submission).

Conditions:
Inborn genetic diseases. Identifiers: MedGen C0950123, MeSH D030342.

gnomAD v4.1: 1 of 1,612,174 alleles (0.000062%); highest among the groups gnomAD compares: Non-Finnish European, 0.000085%; no homozygotes.

Submission:

Ambry Genetics
Classification: Uncertain significance for Inborn genetic diseases. Last evaluated: 2025-03-26. Review status: criteria provided, single submitter. Criteria: Ambry Variant Classification Scheme 2023. Collection method: clinical testing. Allele origin: germline.
Comment: The p.T93K variant (also known as c.278C>A), located in coding exon 4 of the RECQL4 gene, results from a C to A substitution at nucleotide position 278. The threonine at codon 93 is replaced by lysine, an amino acid with similar properties. This amino acid position is conserved. In addition, this alteration is predicted to be tolerated by in silico analysis. Based on the available evidence, the clinical significance of this variant remains unclear.

NM_004260.4(RECQL4):c.278C>A (p.Thr93Lys)

Gene: RECQL4 (RecQ like helicase 4; minus strand). Cytogenetic location: 8q24.3.
Variant type: single nucleotide variant.
Coding change: c.278C>A on transcript NM_004260.4 (MANE Select); coding-DNA position 278, C replaced by A.
Protein change: p.Thr93Lys; replaces threonine 93 with lysine.
Molecular consequence: missense variant. On other transcripts: 5 prime UTR variant (17), non-coding transcript variant (3).
Genome position (GRCh38, 1-based): chr8:144,517,126, G>T on the plus strand (C>A on the coding strand, the complement: RECQL4 is on the minus strand). VCF-style: chr8-144517126-G-T. GRCh37 (hg19) VCF-style: chr8-145742510-G-T.
Other names: c.278C>A, p.Thr93Lys (NM_001413017.1, NM_001413018.1, NM_001413019.1 and 5 more transcripts); c.-443C>A (NM_001413021.1); c.-794C>A (NM_001413022.1, NM_001413023.1, NM_001413037.1 and 3 more transcripts); c.-691C>A (NM_001413024.1, NM_001413035.1); c.149C>A, p.Thr50Lys (NM_001413025.1); c.-856C>A (NM_001413027.1, NM_001413030.1, NM_001413031.1 and 1 more transcripts); c.-519C>A (NM_001413028.1); c.-753C>A (NM_001413032.1); and 2 more; short protein forms T93K, T50K.
Identifiers: ClinVar variation 3944251 (VCV003944251.1).